The following is an entry in ClinVar:

ClinVar aggregate classification (germline): Uncertain significance (1 of 4 stars; one submission).

Allele frequency attached by ClinVar (database versions not stated): gnomAD 0.00001; gnomAD exomes 0.00001; ExAC 0.00003; TOPMed 0.00003.
gnomAD v4.1: 8 of 1,613,074 alleles (0.0005%); highest among the groups gnomAD compares: Admixed American, 0.0067%; no homozygotes.

Submission:

Labcorp Genetics (formerly Invitae), Labcorp
Classification: Uncertain significance. Last evaluated: 2022-10-18. Review status: criteria provided, single submitter. Criteria: Invitae Variant Classification Sherloc (09022015). Collection method: clinical testing. Allele origin: germline.
Comment: This sequence change replaces methionine, which is neutral and non-polar, with valine, which is neutral and non-polar, at codon 330 of the LCT protein (p.Met330Val). This variant is present in population databases (rs199920712, gnomAD 0.01%). This variant has not been reported in the literature in individuals affected with LCT-related conditions. Algorithms developed to predict the effect of missense changes on protein structure and function output the following: SIFT: "Not Available"; PolyPhen-2: "Benign"; Align-GVGD: "Not Available". The valine amino acid residue is found in multiple mammalian species, which suggests that this missense change does not adversely affect protein function. In summary, the available evidence is currently insufficient to determine the role of this variant in disease. Therefore, it has been classified as a Variant of Uncertain Significance.

NM_002299.4(LCT):c.988A>G (p.Met330Val)

Genes: LCT (lactase; minus strand), LOC126806353 (BRD4-independent group 4 enhancer GRCh37_chr2:136574960-136576159; plus strand). Cytogenetic location: 2q21.3.
Variant type: single nucleotide variant.
Coding change: c.988A>G on transcript NM_002299.4 (MANE Select); coding-DNA position 988, A replaced by G.
Protein change: p.Met330Val; replaces methionine 330 with valine.
Molecular consequence: missense variant.
Genome position (GRCh38, 1-based): chr2:135,818,060, T>C on the plus strand (A>G on the coding strand, the complement: LCT is on the minus strand). VCF-style: chr2-135818060-T-C. GRCh37 (hg19) VCF-style: chr2-136575630-T-C.
Other names: short protein forms M330V.
Identifiers: ClinVar variation 1939380 (VCV001939380.2), dbSNP rs199920712, ClinGen allele CA1888462.